The following is an entry in ClinVar:

ClinVar aggregate classification (germline): Uncertain significance. Review status: criteria provided, multiple submitters, no conflicts (2 of 4 stars). 4 submissions from 4 submitters: Uncertain significance (4). Last evaluated 2025-12-21.

Conditions:
Hereditary cancer-predisposing syndrome. Also called: Neoplastic Syndromes, Hereditary; Hereditary neoplastic syndrome; Tumor predisposition; Hereditary Cancer Syndrome. Identifiers: Orphanet 140162, MedGen C0027672, MeSH D009386, MONDO:0015356.
Ataxia-telangiectasia syndrome (AT). Also called: Ataxia telangiectasia (A-T); Cerebello-oculocutaneous telangiectasia; Immunodeficiency with ataxia telangiectasia; LOUIS-BAR SYNDROME; AT, COMPLEMENTATION GROUP C; ATAXIA-TELANGIECTASIA, FRESNO VARIANT. Identifiers: Orphanet 100, MedGen C0004135, MONDO:0008840, OMIM 208900.

Allele frequency attached by ClinVar (database versions not stated): gnomAD exomes below 0.00001.
gnomAD v4.1: 1 of 1,614,158 alleles (0.000062%); highest among the groups gnomAD compares: Non-Finnish European, 0.000085%; no homozygotes.

Submissions (4):

Labcorp Genetics (formerly Invitae), Labcorp
Classification: Uncertain significance for Ataxia-telangiectasia syndrome. Last evaluated: 2025-12-21. Review status: criteria provided, single submitter. Criteria: Invitae Variant Classification Sherloc (09022015). Collection method: clinical testing. Allele origin: germline.
Comment: This sequence change replaces valine, which is neutral and non-polar, with alanine, which is neutral and non-polar, at codon 3005 of the ATM protein (p.Val3005Ala). This variant is not present in population databases (gnomAD no frequency). This variant has not been reported in the literature in individuals affected with ATM-related conditions. ClinVar contains an entry for this variant (Variation ID: 232752). Invitae Evidence Modeling of protein sequence and biophysical properties (such as structural, functional, and spatial information, amino acid conservation, physicochemical variation, residue mobility, and thermodynamic stability) indicates that this missense variant is not expected to disrupt ATM protein function with a negative predictive value of 95%. In summary, the available evidence is currently insufficient to determine the role of this variant in disease. Therefore, it has been classified as a Variant of Uncertain Significance.

Women's Health and Genetics/Laboratory Corporation of America, LabCorp
Classification: Uncertain significance. Last evaluated: 2025-06-23. Review status: criteria provided, single submitter. Criteria: LabCorp Variant Classification Summary - May 2015. Collection method: clinical testing. Allele origin: germline.
Comment: Variant summary: ATM c.9014T>C (p.Val3005Ala) results in a non-conservative amino acid change in the encoded protein sequence. Algorithms developed to predict the effect of missense changes on protein structure and function are either unavailable or do not agree on the potential impact of this missense change. The frequency data for this variant in gnomAD is considered unreliable, as metrics indicate poor data quality at this position. To our knowledge, no occurrence of c.9014T>C in individuals affected with Ataxia-Telangiectasia and no experimental evidence demonstrating its impact on protein function have been reported. ClinVar contains an entry for this variant (Variation ID: 232752). Based on the evidence outlined above, the variant was classified as uncertain significance.

Ambry Genetics
Classification: Uncertain significance for Hereditary cancer-predisposing syndrome. Last evaluated: 2025-06-17. Review status: criteria provided, single submitter. Criteria: Ambry Variant Classification Scheme 2023. Collection method: clinical testing. Allele origin: germline.
Comment: The p.V3005A variant (also known as c.9014T>C), located in coding exon 62 of the ATM gene, results from a T to C substitution at nucleotide position 9014. The valine at codon 3005 is replaced by alanine, an amino acid with similar properties. This amino acid position is highly conserved in available vertebrate species. In addition, this alteration is predicted to be tolerated by in silico analysis. Since supporting evidence is limited at this time, the clinical significance of this alteration remains unclear.

Color Diagnostics, LLC DBA Color Health
Classification: Uncertain significance for Hereditary cancer-predisposing syndrome. Last evaluated: 2024-03-06. Review status: criteria provided, single submitter. Criteria: ACMG Guidelines, 2015. Collection method: clinical testing. Allele origin: germline.
Comment: This missense variant replaces valine with alanine at codon 3005 of the ATM protein. Computational prediction suggests that this variant may not impact protein structure and function (internally defined REVEL score threshold <= 0.5, PMID: 27666373). To our knowledge, functional studies have not been reported for this variant. This variant has not been reported in individuals affected with hereditary cancer in the literature. This variant has not been identified in the general population by the Genome Aggregation Database (gnomAD). The available evidence is insufficient to determine the role of this variant in disease conclusively. Therefore, this variant is classified as a Variant of Uncertain Significance.

NM_000051.4(ATM):c.9014T>C (p.Val3005Ala)

Genes: ATM (ATM serine/threonine kinase; plus strand), C11orf65 (chromosome 11 open reading frame 65; minus strand). Cytogenetic location: 11q22.3.
Variant type: single nucleotide variant.
Coding change: c.9014T>C on transcript NM_000051.4 (MANE Select); coding-DNA position 9014, T replaced by C.
Protein change: p.Val3005Ala; replaces valine 3005 with alanine.
Molecular consequence: missense variant. On other transcripts: intron variant (2).
Genome position (GRCh38, 1-based): chr11:108,365,351, T>C. VCF-style: chr11-108365351-T-C. GRCh37 (hg19) VCF-style: chr11-108236078-T-C.
Other names: c.9014T>C, p.Val3005Ala (NM_001351834.2); c.640+20569A>G (NM_001330368.2); c.694+20569A>G (NM_001351110.2); short protein forms V3005A.
Identifiers: ClinVar variation 232752 (VCV000232752.19), dbSNP rs876659968, ClinGen allele CA10579333.
Genomic context (GRCh38, chr11:108,365,351, plus strand): 5'-CACCTCACTGAAACCTTTGTGTTTTTGTCCTTAGTGATATTGACCAGAGTTTCAACAAAG[T>C]AGCTGAACGTGTCTTAATGAGACTACAAGAGAAACTGAAAGGAGTGGAAGAAGGCACTGT-3'
Protein context (NP_000042.3, residues 2995-3015): LSDIDQSFNK[Val3005Ala]AERVLMRLQE